The following is an entry in ClinVar:

NM_000138.5(FBN1):c.8506C>T (p.Leu2836Phe)

Gene: FBN1 (fibrillin 1; minus strand). Cytogenetic location: 15q21.1.
Variant type: single nucleotide variant.
Coding change: c.8506C>T on transcript NM_000138.5 (MANE Select); coding-DNA position 8506, C replaced by T.
Protein change: p.Leu2836Phe; replaces leucine 2836 with phenylalanine.
Molecular consequence: missense variant.
Genome position (GRCh38, 1-based): chr15:48,411,100, G>A on the plus strand (C>T on the coding strand, the complement: FBN1 is on the minus strand). VCF-style: chr15-48411100-G-A. GRCh37 (hg19) VCF-style: chr15-48703297-G-A.
Other names: c.8506C>T, p.Leu2836Phe (NM_001406716.1); short protein forms L2836F.
Identifiers: ClinVar variation 1969402 (VCV001969402.9), dbSNP rs982954804, ClinGen allele CA269518595.
Genomic context (GRCh38, chr15:48,411,100, plus strand): 5'-CACTGAGGTAGTCTTTGTCATATTTGTCTTCTAGTTGGTTAAGTTCTTTCTTTTTATAAA[G>A]TGGAGTACTACTGATTTGTAATGAATAGGTTCCAGCCACTGGCTTCTTCTTTGTGAAGTG-3'
Protein context (NP_000129.3, residues 2826-2846): TYSLQISSTP[Leu2836Phe]YKKKELNQLE

ClinVar aggregate classification (germline): Uncertain significance. Review status: criteria provided, multiple submitters, no conflicts (2 of 4 stars). 3 submissions from 3 submitters: Uncertain significance (3). Last evaluated 2026-07-31.

Conditions:
Marfan syndrome (MFS). Also called: Marfan syndrome type 1; Marfan's syndrome; MARFAN SYNDROME, TYPE I; Marfan syndrome, classic; FBN1-Related Marfan Syndrome. Identifiers: Orphanet 284963, Orphanet 558, MedGen C0024796, MONDO:0007947, OMIM 154700.
Familial thoracic aortic aneurysm and aortic dissection (TAAD). Also called: Thoracic aortic aneurysms and dissections. Identifiers: Orphanet 91387, MedGen C4707243, MONDO:0019625.

Allele frequency attached by ClinVar (database versions not stated): TOPMed below 0.00001.
gnomAD v4.1: 1 of 1,614,092 alleles (0.000062%); highest among the groups gnomAD compares: Non-Finnish European, 0.000085%; no homozygotes.

Submissions (3):

Ambry Genetics
Classification: Uncertain significance for Familial thoracic aortic aneurysm and aortic dissection. Last evaluated: 2026-07-31. Review status: criteria provided, single submitter. Criteria: Ambry Variant Classification Scheme 2023. Collection method: clinical testing. Allele origin: germline.
Comment: The p.L2836F variant (also known as c.8506C>T), located in coding exon 65 of the FBN1 gene, results from a C to T substitution at nucleotide position 8506. The leucine at codon 2836 is replaced by phenylalanine, an amino acid with highly similar properties. This amino acid position is conserved. In addition, the in silico prediction for this alteration is inconclusive. Based on the available evidence, the clinical significance of this variant remains unclear.

GeneDx
Classification: Uncertain significance. Last evaluated: 2025-07-18. Review status: criteria provided, single submitter. Criteria: GeneDx Variant Classification Process June 2021. Collection method: clinical testing. Allele origin: germline. Affected: yes.
Comment: Not observed at significant frequency in large population cohorts (gnomAD); In silico analysis suggests that this missense variant does not alter protein structure/function; Has not been previously published as pathogenic or benign to our knowledge; Does not affect a cysteine or calcium-binding residue within an EGF-like domain or a TGF-binding protein domain of the FBN1 gene; cysteine substitutions in the EGF-like domains represent the majority of pathogenic missense changes associated with FBN1-related disorders (PMID: 12938084); This variant is associated with the following publications: (PMID: 12938084)

Labcorp Genetics (formerly Invitae), Labcorp
Classification: Uncertain significance for Marfan syndrome; Familial thoracic aortic aneurysm and aortic dissection. Last evaluated: 2022-12-20. Review status: criteria provided, single submitter. Criteria: Invitae Variant Classification Sherloc (09022015). Collection method: clinical testing. Allele origin: germline.
Comment: This sequence change replaces leucine, which is neutral and non-polar, with phenylalanine, which is neutral and non-polar, at codon 2836 of the FBN1 protein (p.Leu2836Phe). This variant is not present in population databases (gnomAD no frequency). This variant has not been reported in the literature in individuals affected with FBN1-related conditions. Advanced modeling of protein sequence and biophysical properties (such as structural, functional, and spatial information, amino acid conservation, physicochemical variation, residue mobility, and thermodynamic stability) has been performed at Invitae for this missense variant, however the output from this modeling did not meet the statistical confidence thresholds required to predict the impact of this variant on FBN1 protein function. In summary, the available evidence is currently insufficient to determine the role of this variant in disease. Therefore, it has been classified as a Variant of Uncertain Significance.